The following is an entry in ClinVar:

NM_013266.4(CTNNA3):c.889C>T (p.Arg297Ter)

Gene: CTNNA3 (catenin alpha 3; minus strand). Cytogenetic location: 10q21.3.
Variant type: single nucleotide variant.
Coding change: c.889C>T on transcript NM_013266.4 (MANE Select); coding-DNA position 889, C replaced by T.
Protein change: p.Arg297Ter; replaces arginine 297 with a stop codon.
Molecular consequence: nonsense.
Genome position (GRCh38, 1-based): chr10:67,180,475, G>A on the plus strand (C>T on the coding strand, the complement: CTNNA3 is on the minus strand). VCF-style: chr10-67180475-G-A. GRCh37 (hg19) VCF-style: chr10-68940233-G-A.
Other names: c.889C>T, p.Arg297Ter (NM_001127384.3); c.925C>T, p.Arg309Ter (NM_001291133.2); short protein forms R297*, R309*.
Identifiers: ClinVar variation 956869 (VCV000956869.9), dbSNP rs771161312, ClinGen allele CA5520458.
Genomic context (GRCh38, chr10:67,180,475, plus strand): 5'-AATCCGCCAGCAGAGCAGCCCCACTGATAATGGCTTCAAGGCGTTTCTCTAGTGATGGTC[G>A]TATTTCCTCCTCAGTTACTGTGAGTGGATTCAGGACAATTAAATTCTAAGAGAAGAACAC-3'

ClinVar aggregate classification (germline): Uncertain significance. Review status: criteria provided, single submitter (1 of 4 stars). 3 submissions from 3 submitters: Uncertain significance (1). 2 of the submissions do not count toward it. Last evaluated 2024-02-08.

Conditions:
Arrhythmogenic right ventricular dysplasia 13. Also called: ARRHYTHMOGENIC RIGHT VENTRICULAR CARDIOMYOPATHY 13; Arrhythmogenic right ventricular dysplasia, familial, 13. Identifiers: MedGen C3810138, MONDO:0000908, OMIM 615616.

Allele frequency attached by ClinVar (database versions not stated): gnomAD 0.00001; ExAC 0.00002; gnomAD exomes 0.00002.
gnomAD v4.1: 17 of 1,613,678 alleles (0.0011%); highest among the groups gnomAD compares: South Asian, 0.0033%; no homozygotes.

Submissions (3):

Labcorp Genetics (formerly Invitae), Labcorp
Classification: Uncertain significance for Arrhythmogenic right ventricular dysplasia 13. Last evaluated: 2024-02-08. Review status: criteria provided, single submitter. Criteria: Invitae Variant Classification Sherloc (09022015). Collection method: clinical testing. Allele origin: germline.
Comment: This sequence change creates a premature translational stop signal (p.Arg297*) in the CTNNA3 gene. It is expected to result in an absent or disrupted protein product. However, the current clinical and genetic evidence is not sufficient to establish whether loss-of-function variants in CTNNA3 cause disease. This variant is present in population databases (rs771161312, gnomAD 0.01%). This variant has not been reported in the literature in individuals affected with CTNNA3-related conditions. ClinVar contains an entry for this variant (Variation ID: 956869). In summary, the available evidence is currently insufficient to determine the role of this variant in disease. Therefore, it has been classified as a Variant of Uncertain Significance.

Clinical Genetics, Academic Medical Center
Classification: Uncertain significance. Review status: no assertion criteria provided. Collection method: clinical testing. Allele origin: germline. Affected: yes. Study: VKGL Data-share Consensus. Not counted in ClinVar's aggregate classification.

Genome Diagnostics Laboratory, University Medical Center Utrecht
Classification: Uncertain significance. Review status: no assertion criteria provided. Collection method: clinical testing. Allele origin: germline. Affected: yes. Study: VKGL Data-share Consensus. Not counted in ClinVar's aggregate classification.